The following is an entry in ClinVar:

ClinVar aggregate classification (germline): Likely pathogenic (1 of 4 stars; one submission).

Conditions:
Corticosterone methyl oxidase type II deficiency.

Submission:

Natera, Inc.
Classification: Likely pathogenic for Corticosterone methyl oxidase type II deficiency. Last evaluated: 2024-05-24. Review status: criteria provided, single submitter. Criteria: Natera Variant Classification Schema (03/2026). Collection method: clinical testing. Allele origin: germline.
Comment: The c.943_944delAG variant in CYP11B2 is a frameshift variant predicted to shift the reading frame beginning at codon 315 and leads to a stop codon 14 codons downstream. This variant is expected to result in nonsense mediated decay, truncation, or a dysfunctional protein product. This variant is rare in the general population with a frequency below the threshold expected for the associated phenotype(s). Given the available evidence, this variant is classified as Likely Pathogenic.

NM_000498.3(CYP11B2):c.943_944del (p.Ser315fs)

Genes: CYP11B2 (cytochrome P450 family 11 subfamily B member 2; minus strand), LOC106799834 (CYP11B2 recombination region; plus strand). Cytogenetic location: 8q24.3.
Variant type: Deletion.
Coding change: c.943_944del on transcript NM_000498.3 (MANE Select); coding-DNA positions 943 to 944, 2 bases deleted (AG; older notation c.943_944delAG).
Protein change: p.Ser315fs; shifts the reading frame from serine 315.
Molecular consequence: frameshift variant.
Genome position (GRCh38, 1-based): chr8:142,914,274-142,914,275, CT deleted on the plus strand (AG on the coding strand, the reverse complement: CYP11B2 is on the minus strand); deleting any 2 consecutive bases within chr8:142,914,274-142,914,276 gives the same sequence; the c. name uses the placement nearest the transcript's 3' end. VCF-style (leftmost placement, unchanged base first): chr8-142914273-GCT-G. GRCh37 (hg19) VCF-style: chr8-143995689-GCT-G.
Other names: c.943_944delAG (NM_000498.3); short protein forms S315fs.
Identifiers: ClinVar variation 4818612 (VCV004818612.1).